The following is an entry in ClinVar:

NM_003036.4(SKI):c.637C>T (p.Leu213Phe)

Gene: SKI (SKI proto-oncogene; plus strand). Cytogenetic location: 1p36.33.
Variant type: single nucleotide variant.
Coding change: c.637C>T on transcript NM_003036.4 (MANE Select); coding-DNA position 637, C replaced by T.
Protein change: p.Leu213Phe; replaces leucine 213 with phenylalanine.
Molecular consequence: missense variant.
Genome position (GRCh38, 1-based): chr1:2,229,403, C>T. VCF-style: chr1-2229403-C-T. GRCh37 (hg19) VCF-style: chr1-2160842-C-T.
Other names: short protein forms L213F.
Identifiers: ClinVar variation 2266305 (VCV002266305.6), dbSNP rs777216862, ClinGen allele CA337954434.

ClinVar aggregate classification (germline): Uncertain significance. Review status: criteria provided, multiple submitters, no conflicts (2 of 4 stars). 2 submissions from 2 submitters: Uncertain significance (2). Last evaluated 2025-05-19.

Conditions:
Familial thoracic aortic aneurysm and aortic dissection (TAAD). Also called: Thoracic aortic aneurysms and dissections. Identifiers: Orphanet 91387, MedGen C4707243, MONDO:0019625.
Shprintzen-Goldberg syndrome (SGS). Also called: SHPRINTZEN-GOLDBERG CRANIOSYNOSTOSIS SYNDROME; CRANIOSYNOSTOSIS WITH ARACHNODACTYLY AND ABDOMINAL HERNIAS; Marfanoid disorder with craniosynostosis type 1; Marfanoid craniosynostosis syndrome; Shprintzen-Goldberg marfanoid syndrome. Identifiers: Orphanet 2462, MedGen C1321551, MONDO:0008426, OMIM 182212.

Allele frequency attached by ClinVar (database versions not stated): gnomAD exomes below 0.00001.
gnomAD v4.1: 5 of 1,609,010 alleles (0.00031%); highest among the groups gnomAD compares: Non-Finnish European, 0.00034%; no homozygotes.

Submissions (2):

Labcorp Genetics (formerly Invitae), Labcorp
Classification: Uncertain significance for Shprintzen-Goldberg syndrome. Last evaluated: 2025-05-19. Review status: criteria provided, single submitter. Criteria: Invitae Variant Classification Sherloc (09022015). Collection method: clinical testing. Allele origin: germline.
Comment: This sequence change replaces leucine, which is neutral and non-polar, with phenylalanine, which is neutral and non-polar, at codon 213 of the SKI protein (p.Leu213Phe). This variant is present in population databases (no rsID available, gnomAD 0.002%). This variant has not been reported in the literature in individuals affected with SKI-related conditions. ClinVar contains an entry for this variant (Variation ID: 2266305). Invitae Evidence Modeling of protein sequence and biophysical properties (such as structural, functional, and spatial information, amino acid conservation, physicochemical variation, residue mobility, and thermodynamic stability) indicates that this missense variant is not expected to disrupt SKI protein function with a negative predictive value of 95%. In summary, the available evidence is currently insufficient to determine the role of this variant in disease. Therefore, it has been classified as a Variant of Uncertain Significance.

Ambry Genetics
Classification: Uncertain significance for Familial thoracic aortic aneurysm and aortic dissection. Last evaluated: 2024-11-18. Review status: criteria provided, single submitter. Criteria: Ambry Variant Classification Scheme 2023. Collection method: clinical testing. Allele origin: germline.
Comment: The p.L213F variant (also known as c.637C>T), located in coding exon 1 of the SKI gene, results from a C to T substitution at nucleotide position 637. The leucine at codon 213 is replaced by phenylalanine, an amino acid with highly similar properties. This amino acid position is conserved. In addition, the in silico prediction for this alteration is inconclusive. Based on the available evidence, the clinical significance of this variant remains unclear.